The following is an entry in ClinVar:

NM_016929.5(CLIC5):c.179C>T (p.Pro60Leu)

Gene: CLIC5 (chloride intracellular channel 5; minus strand). Cytogenetic location: 6p21.1.
Variant type: single nucleotide variant.
Coding change: c.179C>T on transcript NM_016929.5 (MANE Select); coding-DNA position 179, C replaced by T.
Protein change: p.Pro60Leu; replaces proline 60 with leucine.
Molecular consequence: missense variant.
Genome position (GRCh38, 1-based): chr6:45,949,376, G>A on the plus strand (C>T on the coding strand, the complement: CLIC5 is on the minus strand). VCF-style: chr6-45949376-G-A. GRCh37 (hg19) VCF-style: chr6-45917113-G-A.
Other names: c.656C>T, p.Pro219Leu (NM_001114086.2, NM_001370650.1); c.179C>T, p.Pro60Leu (NM_001256023.2); c.62C>T, p.Pro21Leu (NM_001370649.1); short protein forms P219L, P60L, P21L.
Identifiers: ClinVar variation 2889356 (VCV002889356.3), dbSNP rs561818462, ClinGen allele CA3836879.

ClinVar aggregate classification (germline): Uncertain significance (1 of 4 stars; one submission).

Allele frequency attached by ClinVar (database versions not stated): gnomAD 0.00001; 1000 Genomes Project 0.00020; ExAC 0.00001; 1000 Genomes Project 30x 0.00016; TOPMed 0.00002.
gnomAD v4.1: 2 of 1,613,278 alleles (0.00012%); highest among the groups gnomAD compares: African/African-American, 0.0027%; no homozygotes.

Submission:

Labcorp Genetics (formerly Invitae), Labcorp
Classification: Uncertain significance. Last evaluated: 2025-09-01. Review status: criteria provided, single submitter. Criteria: Invitae Variant Classification Sherloc (09022015). Collection method: clinical testing. Allele origin: germline.
Comment: This sequence change replaces proline, which is neutral and non-polar, with leucine, which is neutral and non-polar, at codon 219 of the CLIC5 protein (p.Pro219Leu). This variant is present in population databases (rs561818462, gnomAD 0.007%). This variant has not been reported in the literature in individuals affected with CLIC5-related conditions. ClinVar contains an entry for this variant (Variation ID: 2889356). An algorithm developed to predict the effect of missense changes on protein structure and function (PolyPhen-2) suggests that this variant is likely to be disruptive. In summary, the available evidence is currently insufficient to determine the role of this variant in disease. Therefore, it has been classified as a Variant of Uncertain Significance.